The following is an entry in ClinVar:

NM_012424.6(RPS6KC1):c.2822-2_2822-1del

Gene: RPS6KC1 (ribosomal protein S6 kinase C1; plus strand). Cytogenetic location: 1q32.3.
Variant type: Deletion.
Coding change: c.2822-2_2822-1del on transcript NM_012424.6 (MANE Select); the canonical splice acceptor site of the intron before coding-DNA position 2822, 2 bases deleted (AG; older notation c.2822-2_2822-1delAG).
Molecular consequence: splice acceptor variant. On other transcripts: non-coding transcript variant (4), intron variant (1).
Genome position (GRCh38, 1-based): chr1:213,242,567-213,242,568, AG deleted. VCF-style (leftmost placement, unchanged base first): chr1-213242566-TAG-T. GRCh37 (hg19) VCF-style: chr1-213415909-TAG-T.
Other names: c.2279-2_2279-1del (NM_001349651.2, NM_001349650.2, NM_001349649.2 and 4 more transcripts); c.1766-2_1766-1del (NM_001349660.2, NM_001349659.2, NM_001349662.2 and 1 more transcripts); c.1427-2_1427-1del (NM_001349669.2, NM_001349666.2, NM_001349664.2 and 7 more transcripts); c.2186-2_2186-1del (NM_001349654.2, NM_001287219.3, NM_001287218.3); c.1931-2_1931-1del (NM_001349658.2, NM_001349657.2); c.2729-2_2729-1del (NM_001349646.2); c.2459-2_2459-1del (NM_001349647.2); c.1426+270_1426+271del (NM_001349672.2); and 1 more.
Identifiers: ClinVar variation 1965322 (VCV001965322.5), dbSNP rs927853381, ClinGen allele CA37278963.

ClinVar aggregate classification (germline): Uncertain significance (1 of 4 stars; one submission).

Allele frequency attached by ClinVar (database versions not stated): gnomAD exomes below 0.00001; TOPMed 0.00001.

Submission:

Labcorp Genetics (formerly Invitae), Labcorp
Classification: Uncertain significance. Last evaluated: 2022-08-08. Review status: criteria provided, single submitter. Criteria: Invitae Variant Classification Sherloc (09022015). Collection method: clinical testing. Allele origin: germline.
Comment: This variant has not been reported in the literature in individuals affected with RPS6KC1-related conditions. This variant is present in population databases (no rsID available, gnomAD 0.003%). This sequence change affects a splice site in intron 11 of the RPS6KC1 gene. It is expected to disrupt RNA splicing. Variants that disrupt the donor or acceptor splice site typically lead to a loss of protein function (PMID: 16199547), however the current clinical and genetic evidence is not sufficient to establish whether loss-of-function variants in RPS6KC1 cause disease. Algorithms developed to predict the effect of sequence changes on RNA splicing suggest that this variant may disrupt the consensus splice site. In summary, the available evidence is currently insufficient to determine the role of this variant in disease. Therefore, it has been classified as a Variant of Uncertain Significance.

Literature cited by the submitters: PubMed 16199547.